The following is an entry in ClinVar:

ClinVar aggregate classification (germline): Uncertain significance. Review status: criteria provided, multiple submitters, no conflicts (2 of 4 stars). 3 submissions from 3 submitters: Uncertain significance (2). 1 of the submissions does not count toward it. Last evaluated 2022-05-06.

Conditions:
Peroxisome biogenesis disorder type 3B. Identifiers: Orphanet 44, Orphanet 772, MedGen C3550693, MONDO:0009959, OMIM 266510.
Peroxisome biogenesis disorder 3A (Zellweger). Also called: Peroxisome biogenesis disorder 3A; PEROXISOMAL BIOGENESIS DISORDER 3A (ZELLWEGER). Identifiers: Orphanet 912, MedGen C3553929, MONDO:0013927, OMIM 614859.

Allele frequency attached by ClinVar (database versions not stated): gnomAD exomes below 0.00001 and 0.00001; gnomAD 0.00001; TOPMed 0.00001.

Submissions (3):

Labcorp Genetics (formerly Invitae), Labcorp
Classification: Uncertain significance for Peroxisome biogenesis disorder 3A (Zellweger). Last evaluated: 2022-05-06. Review status: criteria provided, single submitter. Criteria: Invitae Variant Classification Sherloc (09022015). Collection method: clinical testing. Allele origin: germline.
Comment: This variant, c.182_184dup, results in the insertion of 1 amino acid(s) of the PEX12 protein (p.Glu61_Ile62insLys), but otherwise preserves the integrity of the reading frame. This variant is not present in population databases (gnomAD no frequency). This variant has not been reported in the literature in individuals affected with PEX12-related conditions. ClinVar contains an entry for this variant (Variation ID: 550849). Experimental studies and prediction algorithms are not available or were not evaluated, and the functional significance of this variant is currently unknown. In summary, the available evidence is currently insufficient to determine the role of this variant in disease. Therefore, it has been classified as a Variant of Uncertain Significance.

Eurofins Ntd Llc (ga)
Classification: Uncertain significance. Last evaluated: 2018-04-17. Review status: criteria provided, single submitter. Criteria: EGL ClinVar v180209 classification definitions. Collection method: clinical testing. Allele origin: germline. Observed: 2 variant alleles, 2 heterozygotes.

Counsyl
Classification: Uncertain significance for Peroxisome biogenesis disorder type 3B; Peroxisome biogenesis disorder 3A (Zellweger). Last evaluated: 2017-02-24. Review status: no assertion criteria provided. Collection method: clinical testing. Allele origin: unknown. Not counted in ClinVar's aggregate classification.

NM_000286.3(PEX12):c.182_184dup (p.Glu61_Ile62insLys)

Gene: PEX12 (peroxisomal biogenesis factor 12; minus strand). Cytogenetic location: 17q12.
Variant type: Duplication.
Coding change: c.182_184dup on transcript NM_000286.3 (MANE Select); coding-DNA positions 182 to 184, 3 bases duplicated (AAA; older notation c.182_184dupAAA).
Protein change: p.Glu61_Ile62insLys.
Molecular consequence: inframe insertion.
Genome position (GRCh38, 1-based): chr17:35,577,534-35,577,536, TTT duplicated on the plus strand (AAA on the coding strand, the reverse complement: PEX12 is on the minus strand). VCF-style (leftmost placement, unchanged base first): chr17-35577533-A-ATTT. GRCh37 (hg19) VCF-style: chr17-33904552-A-ATTT.
Other names: c.182_184dupAAA (NM_000286.2).
Identifiers: ClinVar variation 550849 (VCV000550849.13), dbSNP rs1412916235, ClinGen allele CA658824207.
Genomic context (GRCh38, chr17:35,577,533, plus strand): 5'-AATGAGGCACTGGTTCTAGACAGATAATGTTGCTGGAGCAGAAGATCTAGCAGAGTAAAG[A>ATTT]TTTCATCAAACCACCTCCACAAGAAGCCATAGTGGGTGGGATTTGATTCTGCAAGAACCT-3'